The following is an entry in ClinVar:

ClinVar aggregate classification (germline): Likely pathogenic (1 of 4 stars; one submission).

Conditions:
Neuroocular syndrome. Identifiers: MedGen C5551362, MONDO:0859193.

Submission:

3billion
Classification: Likely pathogenic for Neuroocular syndrome 1. Last evaluated: 2022-03-22. Review status: criteria provided, single submitter. Criteria: ACMG Guidelines, 2015. Collection method: clinical testing. Allele origin: germline. Affected: yes. Observed: 1 heterozygote.
Comment: Frameshift: predicted to result in a loss or disruption of normal protein function through nonsense-mediated decay (NMD) or protein truncation. Multiple pathogenic variants are reported downstream of the variant.It is not observed in the gnomAD v2.1.1 dataset. Therefore, this variant is classified as likely pathogenic according to the recommendation of ACMG/AMP guideline.

NM_020719.3(PRR12):c.2831_2832dup (p.Ser945fs)

Gene: PRR12 (proline rich 12; plus strand). Cytogenetic location: 19q13.33.
Variant type: Microsatellite.
Coding change: c.2831_2832dup on transcript NM_020719.3 (MANE Select); coding-DNA positions 2831 to 2832, 2 bases duplicated (GC; older notation c.2831_2832dupGC).
Protein change: p.Ser945fs; shifts the reading frame from serine 945.
Molecular consequence: frameshift variant.
Genome position (GRCh38, 1-based): chr19:49,597,166-49,597,167, GC duplicated; duplicating any 2 consecutive bases within chr19:49,597,164-49,597,167 gives the same sequence; the c. name uses the placement nearest the transcript's 3' end. VCF-style (leftmost placement, unchanged base first): chr19-49597163-A-AGC. GRCh37 (hg19) VCF-style: chr19-50100420-A-AGC.
Other names: short protein forms S945fs.
Identifiers: ClinVar variation 1526075 (VCV001526075.1), dbSNP rs2122299732, ClinGen allele CA2580614941.